The following is an entry in ClinVar:

NM_001366722.1(GRIP1):c.2117del (p.Gly706fs)

Gene: GRIP1 (glutamate receptor interacting protein 1; minus strand). Cytogenetic location: 12q14.3.
Variant type: Deletion.
Coding change: c.2117del on transcript NM_001366722.1 (MANE Select); coding-DNA position 2117, one base deleted (G; older notation c.2117delG).
Protein change: p.Gly706fs; shifts the reading frame from glycine 706.
Molecular consequence: frameshift variant.
Genome position (GRCh38, 1-based): chr12:66,394,220, C deleted on the plus strand (G on the coding strand, the reverse complement: GRIP1 is on the minus strand); the first of 5 consecutive C bases (chr12:66,394,220-66,394,224); deleting any one gives the same sequence. VCF-style (leftmost placement, unchanged base first): chr12-66394219-TC-T. GRCh37 (hg19) VCF-style: chr12-66787999-TC-T.
Other names: c.1961del, p.Gly654fs (NM_001178074.2, NM_001379351.1, NM_021150.4); c.2036del, p.Gly679fs (NM_001366723.1, NM_001379348.1); c.2039del, p.Gly680fs (NM_001366724.1, NM_001379347.1); c.2195del, p.Gly732fs (NM_001379345.1); c.2117del, p.Gly706fs (NM_001379346.1, NM_001439323.1); c.1964del, p.Gly655fs (NM_001379349.1); c.2120del, p.Gly707fs (NM_001439322.1); short protein forms G654fs, G655fs, G679fs, G680fs, G706fs, G707fs, G732fs.
Identifiers: ClinVar variation 5014596 (VCV005014596.1).

ClinVar aggregate classification (germline): Pathogenic (1 of 4 stars; one submission).

Conditions:
Fraser syndrome 3. Identifiers: MedGen C4540040, MONDO:0054739, OMIM 617667.

Submission:

Myriad Genetics, Inc.
Classification: Pathogenic for Fraser syndrome 3. Last evaluated: 2025-06-15. Review status: criteria provided, single submitter. Criteria: Myriad Autosomal Dominant, Autosomal Recessive and X-Linked Classification Criteria (2023). Collection method: clinical testing. Allele origin: unknown.
Comment: NM_021150.3(GRIP1):c.1961delG(G654Dfs*2) is expected to be pathogenic in the context of Fraser syndrome, GRIP1-related. This variant is predicted to lead to an abnormal or absent protein product due to the creation of a premature termination codon in GRIP1, a gene where loss-of-function variants are known to be pathogenic. Please note: this variant was assessed in the context of healthy population screening.